The following is an entry in ClinVar:

ClinVar aggregate classification (germline): Uncertain significance (1 of 4 stars; one submission).

Submission:

Labcorp Genetics (formerly Invitae), Labcorp
Classification: Uncertain significance. Last evaluated: 2024-04-09. Review status: criteria provided, single submitter. Criteria: Invitae Variant Classification Sherloc (09022015). Collection method: clinical testing. Allele origin: germline.
Comment: This sequence change replaces proline, which is neutral and non-polar, with serine, which is neutral and polar, at codon 1265 of the FN1 protein (p.Pro1265Ser). This variant is not present in population databases (gnomAD no frequency). This variant has not been reported in the literature in individuals affected with FN1-related conditions. Advanced modeling of protein sequence and biophysical properties (such as structural, functional, and spatial information, amino acid conservation, physicochemical variation, residue mobility, and thermodynamic stability) performed at Invitae indicates that this missense variant is not expected to disrupt FN1 protein function with a negative predictive value of 80%. In summary, the available evidence is currently insufficient to determine the role of this variant in disease. Therefore, it has been classified as a Variant of Uncertain Significance.

NM_212482.4(FN1):c.3793C>T (p.Pro1265Ser)

Gene: FN1 (fibronectin 1; minus strand). Cytogenetic location: 2q35.
Variant type: single nucleotide variant.
Coding change: c.3793C>T on transcript NM_212482.4 (MANE Select); coding-DNA position 3793, C replaced by T.
Protein change: p.Pro1265Ser; replaces proline 1265 with serine.
Molecular consequence: missense variant.
Genome position (GRCh38, 1-based): chr2:215,394,531, G>A on the plus strand (C>T on the coding strand, the complement: FN1 is on the minus strand). VCF-style: chr2-215394531-G-A. GRCh37 (hg19) VCF-style: chr2-216259254-G-A.
Other names: c.3793C>T, p.Pro1265Ser (NM_001365523.2, NM_001365524.2, NM_002026.4 and 13 more transcripts); short protein forms P1265S.
Identifiers: ClinVar variation 2859856 (VCV002859856.3), dbSNP rs2469814440, ClinGen allele CA350485898.